The following is an entry in ClinVar:

NM_021784.5(FOXA2):c.429C>A (p.Tyr143Ter)

Gene: FOXA2 (forkhead box A2; minus strand). Cytogenetic location: 20p11.21.
Variant type: single nucleotide variant.
Coding change: c.429C>A on transcript NM_021784.5 (MANE Select); coding-DNA position 429, C replaced by A.
Protein change: p.Tyr143Ter; replaces tyrosine 143 with a stop codon.
Molecular consequence: nonsense.
Genome position (GRCh38, 1-based): chr20:22,582,813, G>T on the plus strand (C>A on the coding strand, the complement: FOXA2 is on the minus strand). VCF-style: chr20-22582813-G-T. GRCh37 (hg19) VCF-style: chr20-22563451-G-T.
Other names: c.411C>A, p.Tyr137Ter (NM_153675.3); short protein forms Y137*, Y143*.
Identifiers: ClinVar variation 3766026 (VCV003766026.1).

ClinVar aggregate classification (germline): Uncertain significance (1 of 4 stars; one submission).

Submission:

GeneDx
Classification: Uncertain significance. Last evaluated: 2024-08-30. Review status: criteria provided, single submitter. Criteria: GeneDx Variant Classification Process June 2021. Collection method: clinical testing. Allele origin: germline. Affected: yes.
Comment: Nonsense variant predicted to result in protein truncation as the last 321 amino acids are lost, although loss-of-function variants have not been reported downstream of this position in the protein; Not observed at significant frequency in large population cohorts (gnomAD); Has not been previously published as pathogenic or benign to our knowledge